The following is an entry in ClinVar:

NM_003737.4(DCHS1):c.6100C>G (p.Arg2034Gly)

Gene: DCHS1 (dachsous cadherin-related 1; minus strand). Cytogenetic location: 11p15.4.
Variant type: single nucleotide variant.
Coding change: c.6100C>G on transcript NM_003737.4 (MANE Select); coding-DNA position 6100, C replaced by G.
Protein change: p.Arg2034Gly; replaces arginine 2034 with glycine.
Molecular consequence: missense variant.
Genome position (GRCh38, 1-based): chr11:6,626,939, G>C on the plus strand (C>G on the coding strand, the complement: DCHS1 is on the minus strand). VCF-style: chr11-6626939-G-C. GRCh37 (hg19) VCF-style: chr11-6648170-G-C.
Other names: short protein forms R2034G.
Identifiers: ClinVar variation 3641434 (VCV003641434.2).

ClinVar aggregate classification (germline): Uncertain significance (1 of 4 stars; one submission).

Submission:

Labcorp Genetics (formerly Invitae), Labcorp
Classification: Uncertain significance. Last evaluated: 2025-04-17. Review status: criteria provided, single submitter. Criteria: Invitae Variant Classification Sherloc (09022015). Collection method: clinical testing. Allele origin: germline.
Comment: This sequence change replaces arginine, which is basic and polar, with glycine, which is neutral and non-polar, at codon 2034 of the DCHS1 protein (p.Arg2034Gly). This variant is not present in population databases (gnomAD no frequency). This variant has not been reported in the literature in individuals affected with DCHS1-related conditions. ClinVar contains an entry for this variant (Variation ID: 3641434). Invitae Evidence Modeling of protein sequence and biophysical properties (such as structural, functional, and spatial information, amino acid conservation, physicochemical variation, residue mobility, and thermodynamic stability) indicates that this missense variant is not expected to disrupt DCHS1 protein function with a negative predictive value of 80%. In summary, the available evidence is currently insufficient to determine the role of this variant in disease. Therefore, it has been classified as a Variant of Uncertain Significance.